The following is an entry in ClinVar:

NM_032119.4(ADGRV1):c.2242G>T (p.Val748Phe)

Gene: ADGRV1 (adhesion G protein-coupled receptor V1; plus strand). Cytogenetic location: 5q14.3.
Variant type: single nucleotide variant.
Coding change: c.2242G>T on transcript NM_032119.4 (MANE Select); coding-DNA position 2242, G replaced by T.
Protein change: p.Val748Phe; replaces valine 748 with phenylalanine.
Molecular consequence: missense variant. On other transcripts: non-coding transcript variant (1).
Genome position (GRCh38, 1-based): chr5:90,642,637, G>T. VCF-style: chr5-90642637-G-T. GRCh37 (hg19) VCF-style: chr5-89938454-G-T.
Other names: short protein forms V748F.
Identifiers: ClinVar variation 1320826 (VCV001320826.2), dbSNP rs1372913924, ClinGen allele CA360387066.

ClinVar aggregate classification (germline): Uncertain significance (1 of 4 stars; one submission).

Allele frequency attached by ClinVar (database versions not stated): TOPMed below 0.00001.

Submission:

GeneDx
Classification: Uncertain significance. Last evaluated: 2020-07-06. Review status: criteria provided, single submitter. Criteria: GeneDx Variant Classification Process June 2021. Collection method: clinical testing. Allele origin: germline. Affected: yes.
Comment: Not observed in large population cohorts (Lek et al., 2016); In silico analysis supports that this missense variant has a deleterious effect on protein structure/function; Has not been previously published as pathogenic or benign to our knowledge